The following is an entry in ClinVar:

NM_004329.3(BMPR1A):c.433C>T (p.Pro145Ser)

Gene: BMPR1A (bone morphogenetic protein receptor type 1A; plus strand). Cytogenetic location: 10q23.2.
Variant type: single nucleotide variant.
Coding change: c.433C>T on transcript NM_004329.3 (MANE Select); coding-DNA position 433, C replaced by T.
Protein change: p.Pro145Ser; replaces proline 145 with serine.
Molecular consequence: missense variant.
Genome position (GRCh38, 1-based): chr10:86,900,029, C>T. VCF-style: chr10-86900029-C-T. GRCh37 (hg19) VCF-style: chr10-88659786-C-T.
Other names: c.433C>T, p.Pro145Ser (NM_001406559.1, NM_001406560.1, NM_001406561.1 and 22 more transcripts); c.349C>T, p.Pro117Ser (NM_001406584.1, NM_001406585.1, NM_001406586.1 and 2 more transcripts); short protein forms P117S, P145S.
Identifiers: ClinVar variation 1739843 (VCV001739843.4), dbSNP rs2539493364, ClinGen allele CA377450052.

ClinVar aggregate classification (germline): Uncertain significance. Review status: criteria provided, multiple submitters, no conflicts (2 of 4 stars). 2 submissions from 2 submitters: Uncertain significance (2). Last evaluated 2024-08-01.

Conditions:
Hereditary cancer-predisposing syndrome. Also called: Neoplastic Syndromes, Hereditary; Tumor predisposition; Hereditary Cancer Syndrome; Hereditary neoplastic syndrome. Identifiers: Orphanet 140162, MedGen C0027672, MeSH D009386, MONDO:0015356.
Juvenile polyposis syndrome (JPS). Identifiers: Orphanet 2929, MedGen C0345893, MONDO:0017380, OMIM 174900.

Submissions (2):

Labcorp Genetics (formerly Invitae), Labcorp
Classification: Uncertain significance for Juvenile polyposis syndrome. Last evaluated: 2024-08-01. Review status: criteria provided, single submitter. Criteria: Invitae Variant Classification Sherloc (09022015). Collection method: clinical testing. Allele origin: germline.
Comment: This sequence change replaces proline, which is neutral and non-polar, with serine, which is neutral and polar, at codon 145 of the BMPR1A protein (p.Pro145Ser). This variant is not present in population databases (gnomAD no frequency). This variant has not been reported in the literature in individuals affected with BMPR1A-related conditions. ClinVar contains an entry for this variant (Variation ID: 1739843). An algorithm developed to predict the effect of missense changes on protein structure and function (PolyPhen-2) suggests that this variant is likely to be tolerated. In summary, the available evidence is currently insufficient to determine the role of this variant in disease. Therefore, it has been classified as a Variant of Uncertain Significance.

Ambry Genetics
Classification: Uncertain significance for Hereditary cancer-predisposing syndrome. Last evaluated: 2022-01-06. Review status: criteria provided, single submitter. Criteria: Ambry Variant Classification Scheme 2023. Collection method: clinical testing. Allele origin: germline.
Comment: The p.P145S variant (also known as c.433C>T), located in coding exon 5 of the BMPR1A gene, results from a C to T substitution at nucleotide position 433. The proline at codon 145 is replaced by serine, an amino acid with similar properties. This amino acid position is well conserved in available vertebrate species. In addition, this alteration is predicted to be tolerated by in silico analysis. Since supporting evidence is limited at this time, the clinical significance of this alteration remains unclear.